The following is an entry in ClinVar:

ClinVar aggregate classification (germline): Benign/Likely benign. Review status: criteria provided, multiple submitters, no conflicts (2 of 4 stars). 3 submissions from 3 submitters: Benign (1); Likely benign (2). Last evaluated 2025-07-28.

Conditions:
Intellectual developmental disorder, autosomal dominant 1. Also called: Intellectual disability, autosomal dominant 1; MBD5 Haploinsufficiency. Identifiers: Orphanet 228402, MedGen C1969562, MONDO:0007974, OMIM 156200.
Inborn genetic diseases. Identifiers: MedGen C0950123, MeSH D030342.

Allele frequency attached by ClinVar (database versions not stated): TOPMed below 0.00001; ExAC 0.00015; 1000 Genomes Project 0.00020; 1000 Genomes Project 30x 0.00031; gnomAD 0.00004 and 0.00001; gnomAD exomes 0.00007 and 0.00014.
gnomAD v4.1: 109 of 1,614,144 alleles (0.0068%); highest among the groups gnomAD compares: South Asian, 0.098%; 1 homozygote.

Submissions (3):

Labcorp Genetics (formerly Invitae), Labcorp
Classification: Likely benign for Intellectual developmental disorder, autosomal dominant 1. Last evaluated: 2025-07-28. Review status: criteria provided, single submitter. Criteria: Invitae Variant Classification Sherloc (09022015). Collection method: clinical testing. Allele origin: germline.

Ambry Genetics
Classification: Likely benign for Inborn genetic diseases. Last evaluated: 2024-10-17. Review status: criteria provided, single submitter. Criteria: Ambry Variant Classification Scheme 2023. Collection method: clinical testing. Allele origin: germline.

CeGaT Center for Human Genetics Tuebingen
Classification: Benign. Last evaluated: 2022-08-01. Review status: criteria provided, single submitter. Criteria: CeGaT Center For Human Genetics Tuebingen Variant Classification Criteria Version 2. Collection method: clinical testing. Allele origin: germline. Affected: yes. Observed: 1 variant allele.
Comment: MBD5: BS1, BS2

NM_001378120.1(MBD5):c.4231G>A (p.Glu1411Lys)

Gene: MBD5 (methyl-CpG binding domain protein 5; plus strand). Cytogenetic location: 2q23.1.
Variant type: single nucleotide variant.
Coding change: c.4231G>A on transcript NM_001378120.1 (MANE Select); coding-DNA position 4231, G replaced by A.
Protein change: p.Glu1411Lys; replaces glutamic acid 1411 with lysine.
Molecular consequence: missense variant.
Genome position (GRCh38, 1-based): chr2:148,489,863, G>A. VCF-style: chr2-148489863-G-A. GRCh37 (hg19) VCF-style: chr2-149247432-G-A.
Other names: c.3532G>A, p.Glu1178Lys (NM_018328.5); short protein forms E1178K, E1411K.
Identifiers: ClinVar variation 772185 (VCV000772185.33), dbSNP rs571209967, ClinGen allele CA1900400.